The following is an entry in ClinVar:

ClinVar aggregate classification (germline): Pathogenic/Likely pathogenic. Review status: criteria provided, multiple submitters, no conflicts (2 of 4 stars). 11 submissions from 11 submitters: Pathogenic (5); Likely pathogenic (4). 2 of the submissions do not count toward it. Last evaluated 2025-01-22.

Conditions:
Pendred syndrome (PDS). Also called: DEAFNESS WITH GOITER; GOITER-DEAFNESS SYNDROME; HYPOTHYROIDISM, CONGENITAL, DUE TO DYSHORMONOGENESIS, 2B; Pendred Syndrome (PDS); THYROID DYSHORMONOGENESIS 2B; THYROID HORMONOGENESIS, GENETIC DEFECT IN, 2B. Identifiers: Orphanet 705, MedGen C0271829, MONDO:0010134, OMIM 274600.
Autosomal recessive nonsyndromic hearing loss 4 (DFNB4). Also called: Enlarged vestibular aqueduct, digenic; Deafness, autosomal recessive 4; NEUROSENSORY NONSYNDROMIC RECESSIVE DEAFNESS 4; DEAFNESS, AUTOSOMAL RECESSIVE 4, WITH ENLARGED VESTIBULAR AQUEDUCT, DIGENIC; FOXI1-Related Pendred Syndrome; KCNJ10-Related Pendred Syndrome. Identifiers: Orphanet 90636, MedGen C3538946, MONDO:0010933, OMIM 600791.

gnomAD v4.1: 25 of 1,613,910 alleles (0.0015%); highest among the groups gnomAD compares: South Asian, 0.016%; no homozygotes.

Submissions (11):

First Genomix Gene Laboratory, Genetic Diagnostics Department
Classification: Pathogenic for Autosomal recessive nonsyndromic hearing loss 4; Pendred syndrome. Last evaluated: 2025-01-22. Review status: criteria provided, single submitter. Criteria: ACMG Guidelines, 2015. Collection method: clinical testing. Allele origin: germline. Inheritance: Autosomal recessive inheritance. Affected: no. Observed: 1 variant allele.

Natera, Inc.
Classification: Likely pathogenic for Pendred syndrome. Last evaluated: 2024-07-24. Review status: criteria provided, single submitter. Criteria: Natera Variant Classification Schema (03/2026). Collection method: clinical testing. Allele origin: germline.
Comment: The c.269C>T variant in SLC26A4 is a missense variant predicted to cause substitution of serine to leucine at amino acid 90. This variant is rare in the general population with a frequency below the threshold expected for the associated phenotype(s). This variant has been observed in one or more individuals affected with the associated recessive disease, as either homozygous or compound heterozygous with a second variant (PMID: 31107121, 27792752, 17443271, 27997596, 26969326, 23555729, 32417962). Functional studies show that this variant may disrupt protein function (PMID: 31599023). Computational prediction algorithms indicate this variant is likely to affect gene or protein function. Given the available evidence, this variant is classified as Likely Pathogenic.

Fulgent Genetics
Classification: Pathogenic for Pendred syndrome; Autosomal recessive nonsyndromic hearing loss 4. Last evaluated: 2024-05-25. Review status: criteria provided, single submitter. Criteria: ACMG Guidelines, 2015. Collection method: clinical testing. Allele origin: germline.

Women's Health and Genetics/Laboratory Corporation of America, LabCorp
Classification: Pathogenic for Pendred syndrome. Last evaluated: 2024-05-21. Review status: criteria provided, single submitter. Criteria: LabCorp Variant Classification Summary - May 2015. Collection method: clinical testing. Allele origin: germline.
Comment: Variant summary: SLC26A4 c.269C>T (p.Ser90Leu) results in a non-conservative amino acid change located in the SLC26A/SulP transporter domain (IPR011547) of the encoded protein sequence. Five of five in-silico tools predict a damaging effect of the variant on protein function. The variant allele was found at a frequency of 2e-05 in 251466 control chromosomes. c.269C>T has been reported in the literature in the presumed compound heterozygous and homozygous states in multiple individuals affected with autosomal recessive nonsyndromic deafness and/or Pendred Syndrome (example, Gao_2016, Dahl_2013, Sloan-Heggen_2016, Zhang_2019, Chandru_2020, Anwar_2009) and has been suggested to be a founder mutation (example, Anwar_2009). These data indicate that the variant is very likely to be associated with disease. Functional analysis in vitro found this variant results in severely decreased transport activity and cellular mislocalization (example, Wasano_2020). The following publications have been ascertained in the context of this evaluation (PMID: 19287372, 32417962, 23555729, 27792752, 26969326, 31599023, 31107121). ClinVar contains an entry for this variant (Variation ID: 188842). Based on the evidence outlined above, the variant was classified as pathogenic.

Labcorp Genetics (formerly Invitae), Labcorp
Classification: Pathogenic. Last evaluated: 2023-10-29. Review status: criteria provided, single submitter. Criteria: Invitae Variant Classification Sherloc (09022015). Collection method: clinical testing. Allele origin: germline.
Comment: This sequence change replaces serine, which is neutral and polar, with leucine, which is neutral and non-polar, at codon 90 of the SLC26A4 protein (p.Ser90Leu). This variant is present in population databases (rs370588279, gnomAD 0.01%). This missense change has been observed in individuals with pre-lingual deafness or nonsyndromic enlargement of vestibular aqueduct (PMID: 12676893, 17443271, 20842945, 25372295, 27247933, 27792752, 32681043; Invitae). ClinVar contains an entry for this variant (Variation ID: 188842). Advanced modeling of protein sequence and biophysical properties (such as structural, functional, and spatial information, amino acid conservation, physicochemical variation, residue mobility, and thermodynamic stability) performed at Invitae indicates that this missense variant is expected to disrupt SLC26A4 protein function with a positive predictive value of 95%. Experimental studies have shown that this missense change affects SLC26A4 function (PMID: 32417962). For these reasons, this variant has been classified as Pathogenic.

Baylor Genetics
Classification: Likely pathogenic for Autosomal recessive nonsyndromic hearing loss 4. Last evaluated: 2023-09-28. Review status: criteria provided, single submitter. Criteria: ACMG Guidelines, 2015. Collection method: clinical testing. Allele origin: unknown.

3billion
Classification: Likely pathogenic for Autosomal recessive nonsyndromic hearing loss 4. Last evaluated: 2022-01-03. Review status: criteria provided, single submitter. Criteria: ACMG Guidelines, 2015. Collection method: clinical testing. Allele origin: germline. Affected: yes. Observed: 1 homozygote.
Comment: Same nucleotide change resulting in same amino acid change has been previously reported as pathogenic/likely pathogenic with strong evidence (ClinVar ID: VCV000188842, PMID:12676893, PS1_S). In silico tool predictions suggest damaging effect of the variant on gene or gene product (REVEL: 0.892, 3CNET: 0.971, PP3_P). A missense variant is a common mechanism associated with Deafness (PP2_P). It is observed at an extremely low frequency in the gnomAD v2.1.1 dataset (total allele frequency: 0.000020, PM2_M). Therefore, this variant is classified as likely pathogenic according to the recommendation of ACMG/AMP guideline.

Baylor-Hopkins Center for Mendelian Genomics, Johns Hopkins University School of Medicine
Classification: Likely pathogenic for Autosomal recessive nonsyndromic hearing loss 4. Review status: criteria provided, single submitter. Criteria: ACMG Guidelines, 2015. Collection method: research. Allele origin: unknown. Affected: yes. Observed: 1 variant allele, 1 homozygote.

Juno Genomics, Hangzhou Juno Genomics, Inc
Classification: Pathogenic for Autosomal recessive nonsyndromic hearing loss 4; Pendred syndrome. Review status: criteria provided, single submitter. Criteria: ACMG Guidelines, 2015. Collection method: clinical testing. Allele origin: germline.
Comment: Well-established in vitro or in vivo functional studies supportive of a damaging effect on the gene or gene product.;For recessive disorders, detected in trans with a pathogenic variant.;Co-segregation with disease in multiple affected family members.

National Institute of Sensory Organs, National Hospital Organization Tokyo Medical Center
Classification: Affects for Autosomal recessive nonsyndromic hearing loss 4. Last evaluated: 2019-08-20. Review status: no assertion criteria provided. Collection method: clinical testing, in vitro. Allele origin: inherited, germline. Inheritance: Autosomal recessive inheritance. Affected: yes. Functional consequence: loss_of_function_variant. Not counted in ClinVar's aggregate classification.
Comment: in vitro experiment

Counsyl
Classification: Likely pathogenic for Pendred's syndrome. Last evaluated: 2014-06-20. Review status: no assertion criteria provided. Collection method: literature only. Allele origin: unknown. Inheritance: Autosomal recessive inheritance. Not counted in ClinVar's aggregate classification.

Literature cited by the submitters: PubMed 31107121 (cited by Natera, Inc. and Women's Health and Genetics/Laboratory Corporation of America, LabCorp); PubMed 27792752 (cited by 3 submitters); PubMed 17443271 (cited by 3 submitters); PubMed 27997596 (cited by Natera, Inc.); PubMed 26969326 (cited by Natera, Inc. and Women's Health and Genetics/Laboratory Corporation of America, LabCorp); PubMed 23555729 (cited by Natera, Inc. and Women's Health and Genetics/Laboratory Corporation of America, LabCorp); PubMed 32417962 (cited by 3 submitters); PubMed 31599023 (cited by 3 submitters); PubMed 19287372 (cited by Women's Health and Genetics/Laboratory Corporation of America, LabCorp and Counsyl); PubMed 12676893 (cited by 4 submitters); PubMed 20842945 (cited by Labcorp Genetics (formerly Invitae), Labcorp and Counsyl); PubMed 25372295 (cited by Labcorp Genetics (formerly Invitae), Labcorp); PubMed 27247933 (cited by Labcorp Genetics (formerly Invitae), Labcorp); PubMed 32681043 (cited by Labcorp Genetics (formerly Invitae), Labcorp); PubMed 27771369 (cited by National Institute of Sensory Organs, National Hospital Organization Tokyo Medical Center).

NM_000441.2(SLC26A4):c.269C>T (p.Ser90Leu)

Gene: SLC26A4 (solute carrier family 26 member 4; plus strand). Cytogenetic location: 7q22.3.
Variant type: single nucleotide variant.
Coding change: c.269C>T on transcript NM_000441.2 (MANE Select); coding-DNA position 269, C replaced by T.
Protein change: p.Ser90Leu; replaces serine 90 with leucine.
Molecular consequence: missense variant.
Genome position (GRCh38, 1-based): chr7:107,663,400, C>T. VCF-style: chr7-107663400-C-T. GRCh37 (hg19) VCF-style: chr7-107303845-C-T.
Other names: short protein forms S90L.
Identifiers: ClinVar variation 188842 (VCV000188842.26), dbSNP rs370588279, ClinGen allele CA274028.